The following is an entry in ClinVar:

NM_000252.3(MTM1):c.-11+51C>T

Genes: MTM1 (myotubularin 1; plus strand), LOC130068796 (ATAC-STARR-seq lymphoblastoid silent region 21050; plus strand). Cytogenetic location: Xq28.
Variant type: single nucleotide variant.
Coding change: c.-11+51C>T on transcript NM_000252.3 (MANE Select); 51 bases into the intron after 11 bases upstream of the start codon, C replaced by T.
Molecular consequence: intron variant. On other transcripts: 5 prime UTR variant (1).
Genome position (GRCh38, 1-based): chrX:150,568,713, C>T. VCF-style: chrX-150568713-C-T. GRCh37 (hg19) VCF-style: chrX-149737163-C-T.
Other names: c.-16C>T (NM_001376908.1); c.-11+51C>T (NM_001376906.1, NM_001376907.1).
Identifiers: ClinVar variation 1691156 (VCV001691156.2), dbSNP rs192433136, ClinGen allele CA337088606.
Genomic context (GRCh38, chrX:150,568,713, plus strand): 5'-GGAGCCCGAGGTGGGTGCGCGCTCACGGCTGGCCTGGCTCGGAGCCGGGCACTGCGGGGA[C>T]CCGTGGTGAGGGGATCGGGAGGAGGAAGTTGGGACTCCTTGGGCCAGCGGGTCGCGCGGG-3'

ClinVar aggregate classification (germline): Likely benign (1 of 4 stars; one submission).

Allele frequency attached by ClinVar (database versions not stated): gnomAD 0.00529 and 0.00553; TOPMed 0.00588; 1000 Genomes Project 0.00609; 1000 Genomes Project 30x 0.00728.

Submission:

GeneDx
Classification: Likely benign. Last evaluated: 2021-12-01. Review status: criteria provided, single submitter. Criteria: GeneDx Variant Classification Process June 2021. Collection method: clinical testing. Allele origin: germline. Affected: yes.
Comment: See Variant Classification Assertion Criteria.